The following is an entry in ClinVar:

ClinVar aggregate classification (germline): Benign (1 of 4 stars; one submission).

Allele frequency attached by ClinVar (database versions not stated): gnomAD 0.51389 and 0.51591; TOPMed 0.52565; 1000 Genomes Project 30x 0.59557; 1000 Genomes Project 0.59665.
gnomAD v4.1: 78,242 of 152,074 alleles (51%); highest among the groups gnomAD compares: African/African-American, 75%; 22,263 homozygotes.

Submission:

GeneDx
Classification: Benign. Last evaluated: 2018-06-14. Review status: criteria provided, single submitter. Criteria: GeneDx Variant Classification (06012015). Collection method: clinical testing. Allele origin: germline. Affected: yes.
Comment: This variant is considered likely benign or benign based on one or more of the following criteria: it is a conservative change, it occurs at a poorly conserved position in the protein, it is predicted to be benign by multiple in silico algorithms, and/or has population frequency not consistent with disease.

NM_182961.4(SYNE1):c.4009-184T>C

Gene: SYNE1 (spectrin repeat containing nuclear envelope protein 1; minus strand). Cytogenetic location: 6q25.2.
Variant type: single nucleotide variant.
Coding change: c.4009-184T>C on transcript NM_182961.4 (MANE Select); 184 bases into the intron before coding-DNA position 4009, T replaced by C.
Molecular consequence: intron variant.
Genome position (GRCh38, 1-based): chr6:152,441,454, A>G on the plus strand (T>C on the coding strand, the complement: SYNE1 is on the minus strand). VCF-style: chr6-152441454-A-G. GRCh37 (hg19) VCF-style: chr6-152762589-A-G.
Other names: c.4030-184T>C (NM_033071.5).
Identifiers: ClinVar variation 670614 (VCV000670614.1), dbSNP rs214997, ClinGen allele CA16283909.